The following is an entry in ClinVar:

NM_001204.7(BMPR2):c.443del (p.Asp148fs)

Gene: BMPR2 (bone morphogenetic protein receptor type 2; plus strand). Cytogenetic location: 2q33.2.
Variant type: Deletion.
Coding change: c.443del on transcript NM_001204.7 (MANE Select); coding-DNA position 443, one base deleted (A; older notation c.443delA).
Protein change: p.Asp148fs; shifts the reading frame from aspartic acid 148.
Molecular consequence: frameshift variant.
Genome position (GRCh38, 1-based): chr2:202,513,743, A deleted. VCF-style (leftmost placement, unchanged base first): chr2-202513742-GA-G. GRCh37 (hg19) VCF-style: chr2-203378465-GA-G.
Other names: short protein forms D148fs.
Identifiers: ClinVar variation 836469 (VCV000836469.7), dbSNP rs1687663690, ClinGen allele CA916082274.

ClinVar aggregate classification (germline): Pathogenic (1 of 4 stars; one submission).

Conditions:
Primary pulmonary hypertension. Also called: Idiopathic pulmonary hypertension. Identifiers: MedGen C0152171.

Submission:

Labcorp Genetics (formerly Invitae), Labcorp
Classification: Pathogenic for Primary pulmonary hypertension. Last evaluated: 2019-02-03. Review status: criteria provided, single submitter. Criteria: Invitae Variant Classification Sherloc (09022015). Collection method: clinical testing. Allele origin: germline.
Comment: For these reasons, this variant has been classified as Pathogenic. Loss-of-function variants in BMPR2 are known to be pathogenic (PMID: 16429395). This variant has not been reported in the literature in individuals with BMPR2-related conditions. This variant is not present in population databases (ExAC no frequency). This sequence change creates a premature translational stop signal (p.Asp148Valfs*4) in the BMPR2 gene. It is expected to result in an absent or disrupted protein product.

Literature cited by the submitters: PubMed 16429395.